The following is an entry in ClinVar:

ClinVar aggregate classification (germline): Uncertain significance (1 of 4 stars; one submission).

gnomAD v4.1: 10 of 1,613,672 alleles (0.00062%); highest among the groups gnomAD compares: South Asian, 0.0033%; no homozygotes.

Submission:

Labcorp Genetics (formerly Invitae), Labcorp
Classification: Uncertain significance. Last evaluated: 2024-11-19. Review status: criteria provided, single submitter. Criteria: Invitae Variant Classification Sherloc (09022015). Collection method: clinical testing. Allele origin: germline.
Comment: This sequence change replaces arginine, which is basic and polar, with histidine, which is basic and polar, at codon 197 of the TNS2 protein (p.Arg197His). This variant is not present in population databases (gnomAD no frequency). This variant has not been reported in the literature in individuals affected with TNS2-related conditions. An algorithm developed to predict the effect of missense changes on protein structure and function (PolyPhen-2) suggests that this variant is likely to be disruptive. In summary, the available evidence is currently insufficient to determine the role of this variant in disease. Therefore, it has been classified as a Variant of Uncertain Significance.

NM_170754.4(TNS2):c.560G>A (p.Arg187His)

Gene: TNS2 (tensin 2; plus strand). Cytogenetic location: 12q13.13.
Variant type: single nucleotide variant.
Coding change: c.560G>A on transcript NM_170754.4 (MANE Select); coding-DNA position 560, G replaced by A.
Protein change: p.Arg187His; replaces arginine 187 with histidine.
Molecular consequence: missense variant.
Genome position (GRCh38, 1-based): chr12:53,055,223, G>A. VCF-style: chr12-53055223-G-A. GRCh37 (hg19) VCF-style: chr12-53449007-G-A.
Other names: c.560G>A, p.Arg187His (NM_001416202.1, NM_001416204.1); c.491G>A, p.Arg164His (NM_001416203.1, NM_015319.3); c.188G>A, p.Arg63His (NM_198316.2); short protein forms R63H, R164H, R187H.
Identifiers: ClinVar variation 3675970 (VCV003675970.2).